The following is an entry in ClinVar:

ClinVar aggregate classification (germline): Likely benign (0 of 4 stars; one submission).

Conditions:
DEAF1-related disorder.

Submission:

PreventionGenetics, part of Exact Sciences
Classification: Likely benign for DEAF1-related condition. Last evaluated: 2020-06-11. Review status: no assertion criteria provided. Collection method: clinical testing. Allele origin: germline.
Comment: This variant is classified as likely benign based on ACMG/AMP sequence variant interpretation guidelines (Richards et al. 2015 PMID: 25741868, with internal and published modifications).

NM_021008.4(DEAF1):c.81G>A (p.Ala27=)

Gene: DEAF1 (DEAF1 transcription factor; minus strand). Cytogenetic location: 11p15.5.
Variant type: single nucleotide variant.
Coding change: c.81G>A on transcript NM_021008.4 (MANE Select); coding-DNA position 81, G replaced by A.
Protein change: p.Ala27=; no amino-acid change (alanine 27 retained).
Molecular consequence: synonymous variant. On other transcripts: intron variant (1).
Genome position (GRCh38, 1-based): chr11:694,967, C>T on the plus strand (G>A on the coding strand, the complement: DEAF1 is on the minus strand). VCF-style: chr11-694967-C-T. GRCh37 (hg19) VCF-style: chr11-694967-C-T.
Other names: c.81G>A, p.Ala27= (NM_001293634.2); c.-437-3369G>A (NM_001367390.1).
Identifiers: ClinVar variation 3043672 (VCV003043672.2), dbSNP rs1385675891, ClinGen allele CA472437916.